The following is an entry in ClinVar:

ClinVar aggregate classification (germline): Pathogenic (1 of 4 stars; one submission).

Conditions:
Marfan syndrome (MFS). Also called: Marfan syndrome type 1; Marfan's syndrome; FBN1-Related Marfan Syndrome; MARFAN SYNDROME, TYPE I; Marfan syndrome, classic. Identifiers: Orphanet 284963, Orphanet 558, MedGen C0024796, MONDO:0007947, OMIM 154700.

Submission:

Centre of Medical Genetics, University of Antwerp
Classification: Pathogenic for Marfan syndrome. Last evaluated: 2021-03-01. Review status: criteria provided, single submitter. Criteria: Submitter's publication. Collection method: research. Allele origin: unknown. Affected: yes.
Comment: PM2, PVS2, PP4

NM_000138.5(FBN1):c.2307T>G (p.Cys769Trp)

Gene: FBN1 (fibrillin 1; minus strand). Cytogenetic location: 15q21.1.
Variant type: single nucleotide variant.
Coding change: c.2307T>G on transcript NM_000138.5 (MANE Select); coding-DNA position 2307, T replaced by G.
Protein change: p.Cys769Trp; replaces cysteine 769 with tryptophan.
Molecular consequence: missense variant.
Genome position (GRCh38, 1-based): chr15:48,496,212, A>C on the plus strand (T>G on the coding strand, the complement: FBN1 is on the minus strand). VCF-style: chr15-48496212-A-C. GRCh37 (hg19) VCF-style: chr15-48788409-A-C.
Other names: c.2307T>G, p.Cys769Trp (NM_001406716.1); short protein forms C769W.
Identifiers: ClinVar variation 1325481 (VCV001325481.2), dbSNP rs2141305134, ClinGen allele CA392335532.
Genomic context (GRCh38, chr15:48,496,212, plus strand): 5'-GACAAAACTTCCAGGAGTATTTCTACATTGTCCATTGTCACAAAGGAGACTGTTCAGTAC[A>C]CATTCATTAATATCTGCAAAGTCAATGAAAATAAACACTTAAAAAGGGCCCAAACTTTGC-3'
Protein context (NP_000129.3, residues 759-779): TGKNCVDINE[Cys769Trp]VLNSLLCDNG